The following is an entry in ClinVar:

NM_000038.6(APC):c.521T>G (p.Leu174Ter)

Gene: APC (APC regulator of Wnt signaling pathway; plus strand). Cytogenetic location: 5q22.2.
Variant type: single nucleotide variant.
Coding change: c.521T>G on transcript NM_000038.6 (MANE Select); coding-DNA position 521, T replaced by G.
Protein change: p.Leu174Ter; replaces leucine 174 with a stop codon.
Molecular consequence: nonsense. On other transcripts: 5 prime UTR variant (1).
Genome position (GRCh38, 1-based): chr5:112,775,727, T>G. VCF-style: chr5-112775727-T-G. GRCh37 (hg19) VCF-style: chr5-112111424-T-G.
Other names: c.521T>G, p.Leu174Ter (NM_001127510.3, NM_001354895.2, NM_001354896.2 and 2 more transcripts); c.551T>G, p.Leu184Ter (NM_001127511.3, NM_001354897.2, NM_001354902.2); c.446T>G, p.Leu149Ter (NM_001354898.2, NM_001354904.2); c.344T>G, p.Leu115Ter (NM_001354900.2, NM_001354901.2, NM_001354905.2); c.-515T>G (NM_001354906.2); short protein forms L174*, L149*, L115*, L184*.
Identifiers: ClinVar variation 849001 (VCV000849001.9), dbSNP rs1757571583, ClinGen allele CA16022466.

ClinVar aggregate classification (germline): Pathogenic (1 of 4 stars; one submission).

Conditions:
Familial adenomatous polyposis 1 (FAP1). Also called: FAMILIAL ADENOMATOUS POLYPOSIS 1, ATTENUATED; POLYPOSIS, ADENOMATOUS INTESTINAL. Identifiers: MedGen C2713442, MONDO:0021056, OMIM 175100. Disease mechanism: loss of function.

Submission:

Labcorp Genetics (formerly Invitae), Labcorp
Classification: Pathogenic for Familial adenomatous polyposis 1. Last evaluated: 2019-02-06. Review status: criteria provided, single submitter. Criteria: Invitae Variant Classification Sherloc (09022015). Collection method: clinical testing. Allele origin: germline.
Comment: For these reasons, this variant has been classified as Pathogenic. Loss-of-function variants in APC are known to be pathogenic (PMID: 17963004, 20685668). This variant has not been reported in the literature in individuals with APC-related conditions. This variant is not present in population databases (ExAC no frequency). This sequence change creates a premature translational stop signal (p.Leu174*) in the APC gene. It is expected to result in an absent or disrupted protein product.

Literature cited by the submitters: PubMed 17963004; PubMed 20685668.